The following is an entry in ClinVar:

NM_000112.4(SLC26A2):c.1441del (p.Ser481fs)

Gene: SLC26A2 (solute carrier family 26 member 2; plus strand). Cytogenetic location: 5q32.
Variant type: Deletion.
Coding change: c.1441del on transcript NM_000112.4 (MANE Select); coding-DNA position 1441, one base deleted (A; older notation c.1441delA).
Protein change: p.Ser481fs; shifts the reading frame from serine 481.
Molecular consequence: frameshift variant.
Genome position (GRCh38, 1-based): chr5:149,981,034, A deleted; the last of 6 consecutive A bases (chr5:149,981,029-149,981,034); deleting any one gives the same sequence. VCF-style (leftmost placement, unchanged base first): chr5-149981028-CA-C. GRCh37 (hg19) VCF-style: chr5-149360591-CA-C.
Other names: c.1441delA (NM_000112.3); c.1441del (NM_000112.3); short protein forms S481fs.
Identifiers: ClinVar variation 557077 (VCV000557077.13), dbSNP rs745774620, ClinGen allele CA3505438.

ClinVar aggregate classification (germline): Pathogenic/Likely pathogenic. Review status: criteria provided, multiple submitters, no conflicts (2 of 4 stars). 3 submissions from 3 submitters: Pathogenic (1); Likely pathogenic (1). 1 of the submissions does not count toward it. Last evaluated 2025-10-22.

Conditions:
Achondrogenesis, type IB (ACG1B). Also called: Achondrogenesis Type 1B. Identifiers: Orphanet 932, Orphanet 93298, MedGen C0265274, MONDO:0010966, OMIM 600972.
Multiple epiphyseal dysplasia type 4 (EDM4). Also called: MULTIPLE EPIPHYSEAL DYSPLASIA WITH BILAYERED PATELLAE; MULTIPLE EPIPHYSEAL DYSPLASIA WITH CLUBFOOT; MULTIPLE EPIPHYSEAL DYSPLASIA, AUTOSOMAL RECESSIVE; SLC26A2-Related Multiple Epiphyseal Dysplasia; Multiple Epiphyseal Dysplasia, Recessive. Identifiers: Orphanet 93307, MedGen C1847593, MONDO:0009189, OMIM 226900.
Atelosteogenesis type II (AO2). Also called: SLC26A2-Related Atelosteogenesis; NEONATAL OSSEOUS DYSPLASIA I; Neonatal osseous dysplasia 1. Identifiers: Orphanet 56304, MedGen C1850554, MONDO:0009727, OMIM 256050.
Diastrophic dysplasia (DTD). Also called: Diastrophic dwarfism. Identifiers: Orphanet 628, MedGen C0220726, MONDO:0009107, OMIM 222600.

Submissions (3):

Natera, Inc.
Classification: Likely pathogenic for Achondrogenesis type IB. Last evaluated: 2025-10-22. Review status: criteria provided, single submitter. Criteria: Natera Variant Classification Schema (03/2026). Collection method: clinical testing. Allele origin: germline.
Comment: The c.1441del variant in SLC26A2 is a frameshift variant predicted to shift the reading frame beginning at codon 481 and leads to a stop codon 5 codons downstream. This variant is expected to result in nonsense mediated decay, truncation, or a dysfunctional protein product. This variant is rare in the general population with a frequency below the threshold expected for the associated phenotype(s). Given the available evidence, this variant is classified as Likely Pathogenic.

Labcorp Genetics (formerly Invitae), Labcorp
Classification: Pathogenic for Atelosteogenesis type II; Multiple epiphyseal dysplasia type 4; Achondrogenesis, type IB; Diastrophic dysplasia. Last evaluated: 2023-10-07. Review status: criteria provided, single submitter. Criteria: Invitae Variant Classification Sherloc (09022015). Collection method: clinical testing. Allele origin: germline.
Comment: This sequence change creates a premature translational stop signal (p.Ser481Valfs*5) in the SLC26A2 gene. While this is not anticipated to result in nonsense mediated decay, it is expected to disrupt the last 259 amino acid(s) of the SLC26A2 protein. This variant is not present in population databases (gnomAD no frequency). This variant has not been reported in the literature in individuals affected with SLC26A2-related conditions. ClinVar contains an entry for this variant (Variation ID: 557077). This variant disrupts a region of the SLC26A2 protein in which other variant(s) (p.Asp673Leufs*2) have been determined to be pathogenic (Invitae). This suggests that this is a clinically significant region of the protein, and that variants that disrupt it are likely to be disease-causing. For these reasons, this variant has been classified as Pathogenic.

Counsyl
Classification: Likely pathogenic for Multiple epiphyseal dysplasia type 4. Last evaluated: 2018-03-08. Review status: no assertion criteria provided. Collection method: clinical testing. Allele origin: unknown. Not counted in ClinVar's aggregate classification.